The following is an entry in ClinVar:

ClinVar aggregate classification (germline): Uncertain significance. Review status: criteria provided, multiple submitters, no conflicts (2 of 4 stars). 9 submissions from 8 submitters: Uncertain significance (5). 4 of the submissions do not count toward it. Last evaluated 2024-10-01.

Conditions:
Autosomal recessive nonsyndromic hearing loss 12. Also called: DEAFNESS, AUTOSOMAL RECESSIVE 12. Identifiers: Orphanet 90636, MedGen C1832394, MONDO:0011067, OMIM 601386.
Usher syndrome type 1D (USH1D). Also called: USHER SYNDROME, TYPE ID. Identifiers: Orphanet 231169, Orphanet 886, MedGen C1832845, MONDO:0010984, OMIM 601067.
CDH23-related disorder. Also called: CDH23-related disorders; CDH23-related condition.
Usher syndrome type 1 (USH1). Also called: RETINITIS PIGMENTOSA AND CONGENITAL DEAFNESS. Identifiers: Orphanet 231169, Orphanet 886, MedGen C1568247, MONDO:0010168, OMIM 276900.

Allele frequency attached by ClinVar (database versions not stated): ESP Exome Variant Server 0.00008; gnomAD 0.00009 and 0.00010; TOPMed 0.00009; gnomAD exomes 0.00012; ExAC 0.00021.
gnomAD v4.1: 177 of 1,610,918 alleles (0.011%); highest among the groups gnomAD compares: Non-Finnish European, 0.012%; no homozygotes.

Submissions (9):

Blueprint Genetics
Classification: Uncertain significance. Last evaluated: 2024-10-01. Review status: criteria provided, single submitter. Criteria: ACMG Guidelines, 2015. Collection method: clinical testing. Allele origin: germline.

GeneDx
Classification: Uncertain significance. Last evaluated: 2024-03-06. Review status: criteria provided, single submitter. Criteria: GeneDx Variant Classification Process June 2021. Collection method: clinical testing. Allele origin: germline. Affected: yes.
Comment: In silico analysis supports that this missense variant has a deleterious effect on protein structure/function; Has not been previously published as pathogenic or benign in association with a CDH23-related disorder to our knowledge; This variant is associated with the following publications: (PMID: 33671795)

Labcorp Genetics (formerly Invitae), Labcorp
Classification: Uncertain significance. Last evaluated: 2022-11-03. Review status: criteria provided, single submitter. Criteria: Invitae Variant Classification Sherloc (09022015). Collection method: clinical testing. Allele origin: germline.
Comment: This sequence change replaces arginine, which is basic and polar, with cysteine, which is neutral and slightly polar, at codon 1594 of the CDH23 protein (p.Arg1594Cys). This variant is present in population databases (rs200664666, gnomAD 0.02%). This variant has not been reported in the literature in individuals affected with CDH23-related conditions. ClinVar contains an entry for this variant (Variation ID: 300435). Advanced modeling of protein sequence and biophysical properties (such as structural, functional, and spatial information, amino acid conservation, physicochemical variation, residue mobility, and thermodynamic stability) performed at Invitae indicates that this missense variant is not expected to disrupt CDH23 protein function. In summary, the available evidence is currently insufficient to determine the role of this variant in disease. Therefore, it has been classified as a Variant of Uncertain Significance.

Illumina Laboratory Services, Illumina
Classification: Uncertain significance for Autosomal recessive nonsyndromic hearing loss 12. Last evaluated: 2018-01-12. Review status: criteria provided, single submitter. Criteria: ICSL Variant Classification Criteria 13 December 2019. Collection method: clinical testing. Allele origin: germline.

Illumina Laboratory Services, Illumina
Classification: Uncertain significance for Usher syndrome type 1D. Last evaluated: 2018-01-12. Review status: criteria provided, single submitter. Criteria: ICSL Variant Classification Criteria 13 December 2019. Collection method: clinical testing. Allele origin: germline.

PreventionGenetics, part of Exact Sciences
Classification: Uncertain significance for CDH23-related condition. Last evaluated: 2024-08-07. Review status: no assertion criteria provided. Collection method: clinical testing. Allele origin: germline. Not counted in ClinVar's aggregate classification.
Comment: The CDH23 c.4780C>T variant is predicted to result in the amino acid substitution p.Arg1594Cys. This variant was reported in an individual with attention-deficit hyperactivity disorder (Table 3, Liu et al. 2021. PubMed ID: 33671795). This variant is reported in 0.025% of alleles in individuals of European (Non-Finnish) descent in gnomAD. At this time, the clinical significance of this variant is uncertain due to the absence of conclusive functional and genetic evidence.

Natera, Inc.
Classification: Uncertain significance for Usher syndrome type 1. Last evaluated: 2020-04-15. Review status: no assertion criteria provided. Collection method: clinical testing. Allele origin: germline. Not counted in ClinVar's aggregate classification.

Clinical Genetics DNA and cytogenetics Diagnostics Lab, Erasmus MC, Erasmus Medical Center
Classification: Uncertain significance. Review status: no assertion criteria provided. Collection method: clinical testing. Allele origin: germline. Affected: yes. Study: VKGL Data-share Consensus. Not counted in ClinVar's aggregate classification.

Joint Genome Diagnostic Labs from Nijmegen and Maastricht, Radboudumc and MUMC+
Classification: Uncertain significance. Review status: no assertion criteria provided. Collection method: clinical testing. Allele origin: germline. Affected: yes. Study: VKGL Data-share Consensus. Not counted in ClinVar's aggregate classification.

NM_022124.6(CDH23):c.4780C>T (p.Arg1594Cys)

Gene: CDH23 (cadherin related 23; plus strand). Cytogenetic location: 10q22.1.
Variant type: single nucleotide variant.
Coding change: c.4780C>T on transcript NM_022124.6 (MANE Select); coding-DNA position 4780, C replaced by T.
Protein change: p.Arg1594Cys; replaces arginine 1594 with cysteine.
Molecular consequence: missense variant.
Genome position (GRCh38, 1-based): chr10:71,741,856, C>T. VCF-style: chr10-71741856-C-T. GRCh37 (hg19) VCF-style: chr10-73501613-C-T.
Other names: short protein forms R1594C.
Identifiers: ClinVar variation 300435 (VCV000300435.13), dbSNP rs200664666, ClinGen allele CA5545148.